The following is an entry in ClinVar:

NM_001077365.2(POMT1):c.1074T>A (p.Asp358Glu)

Gene: POMT1 (protein O-mannosyltransferase 1; plus strand). Cytogenetic location: 9q34.13.
Variant type: single nucleotide variant.
Coding change: c.1074T>A on transcript NM_001077365.2 (MANE Select); coding-DNA position 1074, T replaced by A.
Protein change: p.Asp358Glu; replaces aspartic acid 358 with glutamic acid.
Molecular consequence: missense variant. On other transcripts: non-coding transcript variant (10), intron variant (1).
Genome position (GRCh38, 1-based): chr9:131,512,128, T>A. VCF-style: chr9-131512128-T-A. GRCh37 (hg19) VCF-style: chr9-134387515-T-A.
Other names: c.912T>A, p.Asp304Glu (NM_001077366.2, NM_001353194.2); c.1074T>A, p.Asp358Glu (NM_001136113.2, NM_001374690.1); c.723T>A, p.Asp241Glu (NM_001136114.2, NM_001353195.2, NM_001374691.1 and 1 more transcripts); c.1140T>A, p.Asp380Glu (NM_001353193.2, NM_007171.4); c.984T>A, p.Asp328Glu (NM_001353196.2); c.978T>A, p.Asp326Glu (NM_001353197.2, NM_001353198.2); c.789T>A, p.Asp263Glu (NM_001353199.2); c.618T>A, p.Asp206Glu (NM_001353200.2); and 3 more; short protein forms D326E, D206E, D328E, D380E, D228E, D241E, D263E, D304E.
Identifiers: ClinVar variation 1501993 (VCV001501993.6), dbSNP rs765263668, ClinGen allele CA200786308.
Genomic context (GRCh38, chr9:131,512,128, plus strand): 5'-CCAGCAACAGGTGACCTGTTACCCCTTCAAAGATGTCAATAACTGGTGGATTGTAAAGGA[T>A]CCCAGGAGGTGAGTGCAGGTCCTGTGACTCCAGAGCAGAGCTCACCTCCTGGCCTGGCCA-3'
Protein context (NP_001070833.1, residues 348-368): KDVNNWWIVK[Asp358Glu]PRRHQLVVSS

ClinVar aggregate classification (germline): Uncertain significance. Review status: criteria provided, multiple submitters, no conflicts (2 of 4 stars). 2 submissions from 2 submitters: Uncertain significance (2). Last evaluated 2022-07-19.

Conditions:
Walker-Warburg congenital muscular dystrophy. Also called: Muscular dystrophy-dystroglycanopathy, type A; Walker-Warburg syndrome. Identifiers: Orphanet 899, MedGen C0265221, MONDO:0000171.
Autosomal recessive limb-girdle muscular dystrophy type 2K. Also called: MUSCULAR DYSTROPHY-DYSTROGLYCANOPATHY (LIMB-GIRDLE), TYPE C, 1; MUSCULAR DYSTROPHY, LIMB-GIRDLE, TYPE 2K. Identifiers: Orphanet 86812, MedGen C1836373, MONDO:0012248, OMIM 609308.
Muscular dystrophy-dystroglycanopathy (congenital with impaired intellectual development), type B, 1. Also called: Muscular dystrophy-dystroglycanopathy (congenital with intellectual disability), type B1; MUSCULAR DYSTROPHY, CONGENITAL, POMT1-RELATED. Identifiers: MedGen C5436962, MONDO:0013159, OMIM 613155.
Muscular dystrophy-dystroglycanopathy (congenital with brain and eye anomalies), type A1 (MDDGA1). Also called: COD-MD SYNDROME; Muscular dystrophy-dystroglycanopathy (congenital with brain and eye anomalies), type A, 1; WALKER-WARBURG SYNDROME OR MUSCLE-EYE-BRAIN DISEASE, POMT1-RELATED; Hydrocephalus, agyria and retinal dysplasia; Hard +/- E syndrome; Warburg syndrome. Identifiers: Orphanet 588, Orphanet 899, MedGen C4284790, MONDO:0009364, OMIM 236670.

Allele frequency attached by ClinVar (database versions not stated): TOPMed below 0.00001; gnomAD 0.00001; gnomAD exomes 0.00001 and 0.00003.

Submissions (2):

Labcorp Genetics (formerly Invitae), Labcorp
Classification: Uncertain significance for Muscular dystrophy-dystroglycanopathy (congenital with impaired intellectual development), type B, 1; Walker-Warburg congenital muscular dystrophy; Autosomal recessive limb-girdle muscular dystrophy type 2K. Last evaluated: 2022-07-19. Review status: criteria provided, single submitter. Criteria: Invitae Variant Classification Sherloc (09022015). Collection method: clinical testing. Allele origin: germline.
Comment: This sequence change replaces aspartic acid, which is acidic and polar, with glutamic acid, which is acidic and polar, at codon 380 of the POMT1 protein (p.Asp380Glu). This variant is present in population databases (rs765263668, gnomAD 0.0009%). This variant has not been reported in the literature in individuals affected with POMT1-related conditions. ClinVar contains an entry for this variant (Variation ID: 1501993). Algorithms developed to predict the effect of missense changes on protein structure and function are either unavailable or do not agree on the potential impact of this missense change (SIFT: "Tolerated"; PolyPhen-2: "Probably Damaging"; Align-GVGD: "Class C0"). In summary, the available evidence is currently insufficient to determine the role of this variant in disease. Therefore, it has been classified as a Variant of Uncertain Significance.

Fulgent Genetics
Classification: Uncertain significance for Muscular dystrophy-dystroglycanopathy (congenital with brain and eye anomalies), type A1; Autosomal recessive limb-girdle muscular dystrophy type 2K; Muscular dystrophy-dystroglycanopathy (congenital with impaired intellectual development), type B, 1. Last evaluated: 2021-09-23. Review status: criteria provided, single submitter. Criteria: ACMG Guidelines, 2015. Collection method: clinical testing. Allele origin: unknown.